The following is an entry in ClinVar:

ClinVar aggregate classification (germline): Uncertain significance (1 of 4 stars; one submission).

Conditions:
Hereditary cancer-predisposing syndrome. Also called: Tumor predisposition; Hereditary Cancer Syndrome; Hereditary neoplastic syndrome; Neoplastic Syndromes, Hereditary. Identifiers: Orphanet 140162, MedGen C0027672, MeSH D009386, MONDO:0015356.

Submission:

Ambry Genetics
Classification: Uncertain significance for Hereditary cancer-predisposing syndrome. Last evaluated: 2025-10-03. Review status: criteria provided, single submitter. Criteria: Ambry Variant Classification Scheme 2023. Collection method: clinical testing. Allele origin: germline.
Comment: The p.W257C variant (also known as c.771G>T), located in coding exon 7 of the TSC2 gene, results from a G to T substitution at nucleotide position 771. The tryptophan at codon 257 is replaced by cysteine, an amino acid with highly dissimilar properties. This amino acid position is highly conserved in available vertebrate species. In addition, this alteration is predicted to be deleterious by in silico analysis. Based on the available evidence, the clinical significance of this variant remains unclear.

NM_000548.5(TSC2):c.771G>T (p.Trp257Cys)

Gene: TSC2 (TSC complex subunit 2; plus strand). Cytogenetic location: 16p13.3.
Variant type: single nucleotide variant.
Coding change: c.771G>T on transcript NM_000548.5 (MANE Select); coding-DNA position 771, G replaced by T.
Protein change: p.Trp257Cys; replaces tryptophan 257 with cysteine.
Molecular consequence: missense variant. On other transcripts: 5 prime UTR variant (10), non-coding transcript variant (5).
Genome position (GRCh38, 1-based): chr16:2,056,766, G>T. VCF-style: chr16-2056766-G-T. GRCh37 (hg19) VCF-style: chr16-2106767-G-T.
Other names: c.771G>T, p.Trp257Cys (NM_001077183.3, NM_001114382.3, NM_001363528.2 and 6 more transcripts); c.660G>T, p.Trp220Cys (NM_001318827.2, NM_001406670.1, NM_001406678.1); c.624G>T, p.Trp208Cys (NM_001318829.2, NM_001406675.1, NM_001406676.1 and 1 more transcripts); c.171G>T, p.Trp57Cys (NM_001318831.2, NM_001406680.1, NM_001406682.1 and 6 more transcripts); c.804G>T, p.Trp268Cys (NM_001318832.2); c.861G>T, p.Trp287Cys (NM_001406667.1, NM_001406668.1); c.759G>T, p.Trp253Cys (NM_001406671.1, NM_001406673.1); c.714G>T, p.Trp238Cys (NM_001406677.1); and 4 more; short protein forms W208C, W220C, W257C, W268C, W103C, W238C, W253C, W57C.
Identifiers: ClinVar variation 4555415 (VCV004555415.1).